The following is an entry in ClinVar:

ClinVar aggregate classification (germline): Uncertain significance (1 of 4 stars; one submission).

Submission:

GeneDx
Classification: Uncertain significance. Last evaluated: 2025-04-20. Review status: criteria provided, single submitter. Criteria: GeneDx Variant Classification Process June 2021. Collection method: clinical testing. Allele origin: germline. Affected: yes.
Comment: Not observed at significant frequency in large population cohorts (gnomAD); In silico analysis indicates that this missense variant does not alter protein structure/function; Has not been previously published as pathogenic or benign to our knowledge

NM_152594.3(SPRED1):c.569G>A (p.Ser190Asn)

Gene: SPRED1 (sprouty related EVH1 domain containing 1; plus strand). Cytogenetic location: 15q14.
Variant type: single nucleotide variant.
Coding change: c.569G>A on transcript NM_152594.3 (MANE Select); coding-DNA position 569, G replaced by A.
Protein change: p.Ser190Asn; replaces serine 190 with asparagine.
Molecular consequence: missense variant.
Genome position (GRCh38, 1-based): chr15:38,339,882, G>A. VCF-style: chr15-38339882-G-A. GRCh37 (hg19) VCF-style: chr15-38632083-G-A.
Other names: short protein forms S190N.
Identifiers: ClinVar variation 4282335 (VCV004282335.1).